The following is an entry in ClinVar:

ClinVar aggregate classification (germline): Uncertain significance. Review status: criteria provided, multiple submitters, no conflicts (2 of 4 stars). 2 submissions from 2 submitters: Uncertain significance (2). Last evaluated 2024-09-07.

Conditions:
Congenital myotonia, autosomal dominant form (THD). Also called: THOMSEN DISEASE; Myotonia congenita autosomal dominant. Identifiers: Orphanet 614, MedGen C2936781, MONDO:0008055, OMIM 160800.
Congenital myotonia, autosomal recessive form. Also called: Becker Generalized Myotonia; myotonia congenita, autosomal recessive; BECKER DISEASE. Identifiers: Orphanet 614, MedGen C0751360, MONDO:0009715, OMIM 255700.

gnomAD v4.1: 4 of 1,613,862 alleles (0.00025%); highest among the groups gnomAD compares: Non-Finnish European, 0.00034%; no homozygotes.

Submissions (2):

GeneDx
Classification: Uncertain significance. Last evaluated: 2024-09-07. Review status: criteria provided, single submitter. Criteria: GeneDx Variant Classification Process June 2021. Collection method: clinical testing. Allele origin: germline. Affected: yes.
Comment: Not observed at significant frequency in large population cohorts (gnomAD); In silico analysis indicates that this missense variant does not alter protein structure/function; Has not been previously published as pathogenic or benign to our knowledge

Labcorp Genetics (formerly Invitae), Labcorp
Classification: Uncertain significance for Congenital myotonia, autosomal recessive form; Congenital myotonia, autosomal dominant form. Last evaluated: 2024-07-17. Review status: criteria provided, single submitter. Criteria: Invitae Variant Classification Sherloc (09022015). Collection method: clinical testing. Allele origin: germline.
Comment: This sequence change replaces lysine, which is basic and polar, with glutamic acid, which is acidic and polar, at codon 875 of the CLCN1 protein (p.Lys875Glu). This variant is present in population databases (no rsID available, gnomAD 0.0009%). This variant has not been reported in the literature in individuals affected with CLCN1-related conditions. Advanced modeling of protein sequence and biophysical properties (such as structural, functional, and spatial information, amino acid conservation, physicochemical variation, residue mobility, and thermodynamic stability) performed at Invitae indicates that this missense variant is not expected to disrupt CLCN1 protein function with a negative predictive value of 95%. In summary, the available evidence is currently insufficient to determine the role of this variant in disease. Therefore, it has been classified as a Variant of Uncertain Significance.

NM_000083.3(CLCN1):c.2623A>G (p.Lys875Glu)

Gene: CLCN1 (chloride voltage-gated channel 1; plus strand). Cytogenetic location: 7q34.
Variant type: single nucleotide variant.
Coding change: c.2623A>G on transcript NM_000083.3 (MANE Select); coding-DNA position 2623, A replaced by G.
Protein change: p.Lys875Glu; replaces lysine 875 with glutamic acid.
Molecular consequence: missense variant. On other transcripts: non-coding transcript variant (1).
Genome position (GRCh38, 1-based): chr7:143,351,621, A>G. VCF-style: chr7-143351621-A-G. GRCh37 (hg19) VCF-style: chr7-143048714-A-G.
Other names: c.2623A>G (NM_000083.2); short protein forms K875E.
Identifiers: ClinVar variation 3761462 (VCV003761462.3).
Genomic context (GRCh38, chr7:143,351,621, plus strand): 5'-TTTACCCTCTTTTCCTTTCCCACTGCTCTTCAGCTACAGAAGGCCATTGAGGGGCACACC[A>G]AGTCTGGGGTGCAGCTCCGCCCTCCCCTTGCCAGCTTCCGGAACACGACTTCAACTCGAA-3'
Protein context (NP_000074.3, residues 865-885): ELQKAIEGHT[Lys875Glu]SGVQLRPPLA